The following is an entry in ClinVar:

ClinVar aggregate classification (germline): Likely benign. Review status: criteria provided, multiple submitters, no conflicts (2 of 4 stars). 5 submissions from 5 submitters: Likely benign (4). 1 of the submissions does not count toward it. Last evaluated 2025-08-28.

Conditions:
SPRED1-related disorder. Also called: SPRED1-related condition.
Cardiovascular phenotype. Identifiers: MedGen CN230736.
Legius syndrome. Identifiers: Orphanet 137605, MedGen C1969623, MONDO:0012669, OMIM 611431. Disease mechanism: loss of function.

gnomAD v4.1: 12 of 1,614,010 alleles (0.00074%); highest among the groups gnomAD compares: African/African-American, 0.0013%; no homozygotes.

Submissions (5):

Labcorp Genetics (formerly Invitae), Labcorp
Classification: Likely benign for Legius syndrome. Last evaluated: 2025-08-28. Review status: criteria provided, single submitter. Criteria: Invitae Variant Classification Sherloc (09022015). Collection method: clinical testing. Allele origin: germline.

Blueprint Genetics
Classification: Likely benign. Last evaluated: 2024-09-25. Review status: criteria provided, single submitter. Criteria: ACMG Guidelines, 2015. Collection method: clinical testing. Allele origin: germline.

CeGaT Center for Human Genetics Tuebingen
Classification: Likely benign. Last evaluated: 2024-01-01. Review status: criteria provided, single submitter. Criteria: CeGaT Center For Human Genetics Tuebingen Variant Classification Criteria Version 2. Collection method: clinical testing. Allele origin: germline. Affected: yes. Observed: 1 variant allele.
Comment: SPRED1: BP4, BP7

Ambry Genetics
Classification: Likely benign for Cardiovascular phenotype. Last evaluated: 2023-07-21. Review status: criteria provided, single submitter. Criteria: Ambry Variant Classification Scheme 2023. Collection method: clinical testing. Allele origin: germline.

PreventionGenetics, part of Exact Sciences
Classification: Likely benign for SPRED1-related condition. Last evaluated: 2024-04-16. Review status: no assertion criteria provided. Collection method: clinical testing. Allele origin: germline. Not counted in ClinVar's aggregate classification.
Comment: This variant is classified as likely benign based on ACMG/AMP sequence variant interpretation guidelines (Richards et al. 2015 PMID: 25741868, with internal and published modifications).

NM_152594.3(SPRED1):c.1110C>T (p.Leu370=)

Gene: SPRED1 (sprouty related EVH1 domain containing 1; plus strand). Cytogenetic location: 15q14.
Variant type: single nucleotide variant.
Coding change: c.1110C>T on transcript NM_152594.3 (MANE Select); coding-DNA position 1110, C replaced by T.
Protein change: p.Leu370=; no amino-acid change (leucine 370 retained).
Molecular consequence: synonymous variant.
Genome position (GRCh38, 1-based): chr15:38,351,439, C>T. VCF-style: chr15-38351439-C-T. GRCh37 (hg19) VCF-style: chr15-38643640-C-T.
Other names: c.1110C>T (NM_152594.2).
Identifiers: ClinVar variation 2038451 (VCV002038451.29), dbSNP rs876657584, ClinGen allele CA490012196.